The following is an entry in ClinVar:

ClinVar aggregate classification (germline): Uncertain significance (1 of 4 stars; one submission).

Allele frequency attached by ClinVar (database versions not stated): gnomAD exomes below 0.00001; TOPMed 0.00001; ExAC 0.00002.
gnomAD v4.1: 5 of 1,612,144 alleles (0.00031%); highest among the groups gnomAD compares: African/African-American, 0.004%; no homozygotes.

Submission:

Ambry Genetics
Classification: Uncertain significance. Last evaluated: 2024-06-24. Review status: criteria provided, single submitter. Criteria: Ambry Variant Classification Scheme 2023. Collection method: clinical testing. Allele origin: germline.
Comment: The p.E705K variant (also known as c.2113G>A), located in coding exon 11 of the PALLD gene, results from a G to A substitution at nucleotide position 2113. The glutamic acid at codon 705 is replaced by lysine, an amino acid with similar properties. This amino acid position is conserved. In addition, this alteration is predicted to be deleterious by in silico analysis. Since supporting evidence is limited at this time, the clinical significance of this alteration remains unclear.

NM_001166108.2(PALLD):c.2113G>A (p.Glu705Lys)

Genes: CBR4 (carbonyl reductase 4; minus strand), PALLD (palladin, cytoskeletal associated protein; plus strand). Cytogenetic location: 4q32.3.
Variant type: single nucleotide variant.
Coding change: c.2113G>A on transcript NM_001166108.2 (MANE Select); coding-DNA position 2113, G replaced by A.
Protein change: p.Glu705Lys; replaces glutamic acid 705 with lysine.
Molecular consequence: missense variant. On other transcripts: 5 prime UTR variant (4).
Genome position (GRCh38, 1-based): chr4:168,894,591, G>A. VCF-style: chr4-168894591-G-A. GRCh37 (hg19) VCF-style: chr4-169815742-G-A.
Other names: c.967G>A, p.Glu323Lys (NM_001166109.2); c.652G>A, p.Glu218Lys (NM_001166110.2); c.-9G>A (NM_001367567.1, NM_001367568.1, NM_001367569.1 and 1 more transcripts); c.2113G>A, p.Glu705Lys (NM_016081.4); short protein forms E323K, E705K, E218K.
Identifiers: ClinVar variation 1786143 (VCV001786143.3), dbSNP rs748036704, ClinGen allele CA3135829.
Genomic context (GRCh38, chr4:168,894,591, plus strand): 5'-TTGTGATTTTTTTCTAATTTTGTATTTTTTGTGACTTACGTTGTTTAGAGGTTAACATAC[G>A]AAGAAAGAATGGCTCGTCGACTGCTAGGTGCTGACAGTGCAACTGTCTTTAATATTCAGG-3'
Protein context (NP_001159580.1, residues 695-715): LNNGQPRLTY[Glu705Lys]ERMARRLLGA